The following is an entry in ClinVar:

ClinVar aggregate classification (germline): Uncertain significance (1 of 4 stars; one submission).

Conditions:
Inborn genetic diseases. Identifiers: MedGen C0950123, MeSH D030342.

Allele frequency attached by ClinVar (database versions not stated): gnomAD exomes below 0.00001.
gnomAD v4.1: 1 of 1,603,000 alleles (0.000062%); highest among the groups gnomAD compares: South Asian, 0.0011%; no homozygotes.

Submission:

Ambry Genetics
Classification: Uncertain significance for Inborn genetic diseases. Last evaluated: 2022-04-04. Review status: criteria provided, single submitter. Criteria: Ambry Variant Classification Scheme 2023. Collection method: clinical testing. Allele origin: germline.
Comment: The p.H554Q variant (also known as c.1662C>A), located in coding exon 9 of the PIK3CA gene, results from a C to A substitution at nucleotide position 1662. The histidine at codon 554 is replaced by glutamine, an amino acid with highly similar properties. This amino acid position is conserved. In addition, the in silico prediction for this alteration is inconclusive. Since supporting evidence is limited at this time, the clinical significance of this alteration remains unclear.

NM_006218.4(PIK3CA):c.1662C>A (p.His554Gln)

Gene: PIK3CA (phosphatidylinositol-4,5-bisphosphate 3-kinase catalytic subunit alpha; plus strand). Cytogenetic location: 3q26.32.
Variant type: single nucleotide variant.
Coding change: c.1662C>A on transcript NM_006218.4 (MANE Select); coding-DNA position 1662, C replaced by A.
Protein change: p.His554Gln; replaces histidine 554 with glutamine.
Molecular consequence: missense variant.
Genome position (GRCh38, 1-based): chr3:179,218,332, C>A. VCF-style: chr3-179218332-C-A. GRCh37 (hg19) VCF-style: chr3-178936120-C-A.
Other names: short protein forms H554Q.
Identifiers: ClinVar variation 1777510 (VCV001777510.2), dbSNP rs2108408479, ClinGen allele CA355265307.
Genomic context (GRCh38, chr3:179,218,332, plus strand): 5'-TTCTACACGAGATCCTCTCTCTGAAATCACTGAGCAGGAGAAAGATTTTCTATGGAGTCA[C>A]AGGTAAGTGCTAAAATGGAGATTCTCTGTTTCTTTTTCTTTATTACAGAAAAAATAACTG-3'
Protein context (NP_006209.2, residues 544-564): TEQEKDFLWS[His554Gln]RHYCVTIPEI